The following is an entry in ClinVar:

NM_181552.4(CUX1):c.4031C>T (p.Thr1344Ile)

Gene: CUX1 (cut like homeobox 1; plus strand). Cytogenetic location: 7q22.1.
Variant type: single nucleotide variant.
Coding change: c.4031C>T on transcript NM_181552.4 (MANE Select); coding-DNA position 4031, C replaced by T.
Protein change: p.Thr1344Ile; replaces threonine 1344 with isoleucine.
Molecular consequence: missense variant. On other transcripts: intron variant (5).
Genome position (GRCh38, 1-based): chr7:102,248,555, C>T. VCF-style: chr7-102248555-C-T. GRCh37 (hg19) VCF-style: chr7-101891835-C-T.
Other names: c.4064C>T, p.Thr1355Ile (NM_001202543.2); c.1256-24811C>T (NM_001913.5); c.1250-24811C>T (NM_181500.4); c.1118-24811C>T (NM_001202545.3); c.1208-24811C>T (NM_001202544.3); c.1139-24811C>T (NM_001202546.3); c.4064C>T (NM_001202543.1); short protein forms T1344I, T1355I.
Identifiers: ClinVar variation 1803935 (VCV001803935.2), dbSNP rs2486372287, ClinGen allele CA368668530.

ClinVar aggregate classification (germline): Conflicting classifications of pathogenicity. Review status: criteria provided, conflicting classifications (1 of 4 stars). 2 submissions from 2 submitters: Likely pathogenic (1); Uncertain significance (1). Last evaluated 2025-06-04.

Conditions:
Global developmental delay with or without impaired intellectual development. Identifiers: MedGen C5193032, MONDO:0032680, OMIM 618330.

Submissions (2):

GeneDx
Classification: Likely pathogenic. Last evaluated: 2025-06-04. Review status: criteria provided, single submitter. Criteria: GeneDx Variant Classification Process June 2021. Collection method: clinical testing. Allele origin: germline. Affected: yes.
Comment: In silico analysis suggests that this missense variant does not alter protein structure/function; Not observed at significant frequency in large population cohorts (gnomAD); This variant is associated with the following publications: (PMID: 37644171)

Institute of Human Genetics, University of Leipzig Medical Center
Classification: Uncertain significance for Global developmental delay with or without impaired intellectual development. Last evaluated: 2022-12-19. Review status: criteria provided, single submitter. Criteria: ACMG Guidelines, 2015. Collection method: clinical testing. Allele origin: de novo. Affected: yes.
Comment: Criteria applied: PS2_Moderate, PM2_Supporting, PP2 BP4